The following is an entry in ClinVar:

NM_001139.3(ALOX12B):c.2094C>A (p.Ser698Arg)

Gene: ALOX12B (arachidonate 12-lipoxygenase, 12R type; minus strand). Cytogenetic location: 17p13.1.
Variant type: single nucleotide variant.
Coding change: c.2094C>A on transcript NM_001139.3 (MANE Select); coding-DNA position 2094, C replaced by A.
Protein change: p.Ser698Arg; replaces serine 698 with arginine.
Molecular consequence: missense variant.
Genome position (GRCh38, 1-based): chr17:8,072,783, G>T on the plus strand (C>A on the coding strand, the complement: ALOX12B is on the minus strand). VCF-style: chr17-8072783-G-T. GRCh37 (hg19) VCF-style: chr17-7976101-G-T.
Other names: short protein forms S698R.
Identifiers: ClinVar variation 995478 (VCV000995478.3), dbSNP rs1977007343, ClinGen allele CA397985219.
Genomic context (GRCh38, chr17:8,072,783, plus strand): 5'-AAAATAGTAGGGCACAGAATGGGGAGAGGAGAGACGGGAAGCGCGCTCCTAAATAGAAAT[G>T]CTGTTCTCAATCAGCACCGGGTCCAGGTAGTAGTAGGGGATGGGAAGGCACTTGTTGCGC-3'
Protein context (NP_001130.1, residues 688-701): YYLDPVLIEN[Ser698Arg]ISI

ClinVar aggregate classification (germline): Uncertain significance. Review status: criteria provided, single submitter (1 of 4 stars). 2 submissions from 2 submitters: Uncertain significance (1). 1 of the submissions does not count toward it. Last evaluated 2024-04-11.

Conditions:
Autosomal recessive congenital ichthyosis 2 (ARCI2). Identifiers: Orphanet 281122, Orphanet 79394, MedGen C3888093, MONDO:0009439, OMIM 242100.

Allele frequency attached by ClinVar (database versions not stated): gnomAD exomes below 0.00001; TOPMed below 0.00001.
gnomAD v4.1: 6 of 1,614,238 alleles (0.00037%); highest among the groups gnomAD compares: Non-Finnish European, 0.00051%; no homozygotes.

Submissions (2):

Labcorp Genetics (formerly Invitae), Labcorp
Classification: Uncertain significance. Last evaluated: 2024-04-11. Review status: criteria provided, single submitter. Criteria: Invitae Variant Classification Sherloc (09022015). Collection method: clinical testing. Allele origin: germline.
Comment: This sequence change replaces serine, which is neutral and polar, with arginine, which is basic and polar, at codon 698 of the ALOX12B protein (p.Ser698Arg). This variant is not present in population databases (gnomAD no frequency). This missense change has been observed in individual(s) with congenital ichthyosis (PMID: 33435499). ClinVar contains an entry for this variant (Variation ID: 995478). Advanced modeling of protein sequence and biophysical properties (such as structural, functional, and spatial information, amino acid conservation, physicochemical variation, residue mobility, and thermodynamic stability) performed at Invitae indicates that this missense variant is expected to disrupt ALOX12B protein function with a positive predictive value of 95%. In summary, the available evidence is currently insufficient to determine the role of this variant in disease. Therefore, it has been classified as a Variant of Uncertain Significance.

Institute for Human Genetics, University Medical Center Freiburg
Classification: Pathogenic for Autosomal recessive congenital ichthyosis 2. Last evaluated: 2021-01-07. Review status: no assertion criteria provided. Collection method: clinical testing. Allele origin: unknown. Affected: yes. Not counted in ClinVar's aggregate classification.

Literature cited by the submitters: PubMed 33435499 (cited by Labcorp Genetics (formerly Invitae), Labcorp).